The following is an entry in ClinVar:

NM_005591.4(MRE11):c.1474G>A (p.Ala492Thr)

Gene: MRE11 (MRE11 double strand break repair nuclease; minus strand). Cytogenetic location: 11q21.
Variant type: single nucleotide variant.
Coding change: c.1474G>A on transcript NM_005591.4 (MANE Select); coding-DNA position 1474, G replaced by A.
Protein change: p.Ala492Thr; replaces alanine 492 with threonine.
Molecular consequence: missense variant.
Genome position (GRCh38, 1-based): chr11:94,459,434, C>T on the plus strand (G>A on the coding strand, the complement: MRE11 is on the minus strand). VCF-style: chr11-94459434-C-T. GRCh37 (hg19) VCF-style: chr11-94192600-C-T.
Other names: c.1474G>A, p.Ala492Thr (NM_001330347.2, NM_005590.4); short protein forms A492T.
Identifiers: ClinVar variation 1799790 (VCV001799790.2), dbSNP rs2134989806, ClinGen allele CA382371706.

ClinVar aggregate classification (germline): Uncertain significance (1 of 4 stars; one submission).

Conditions:
Hereditary cancer-predisposing syndrome. Also called: Neoplastic Syndromes, Hereditary; Tumor predisposition; Hereditary Cancer Syndrome; Hereditary neoplastic syndrome. Identifiers: Orphanet 140162, MedGen C0027672, MeSH D009386, MONDO:0015356.

Submission:

Ambry Genetics
Classification: Uncertain significance for Hereditary cancer-predisposing syndrome. Last evaluated: 2021-10-17. Review status: criteria provided, single submitter. Criteria: Ambry Variant Classification Scheme 2023. Collection method: clinical testing. Allele origin: germline.
Comment: The p.A492T variant (also known as c.1474G>A), located in coding exon 12 of the MRE11A gene, results from a G to A substitution at nucleotide position 1474. The alanine at codon 492 is replaced by threonine, an amino acid with similar properties. This amino acid position is conserved. In addition, this alteration is predicted to be tolerated by in silico analysis. Since supporting evidence is limited at this time, the clinical significance of this alteration remains unclear.